The following is an entry in ClinVar:

ClinVar aggregate classification (germline): Uncertain significance. Review status: criteria provided, multiple submitters, no conflicts (2 of 4 stars). 2 submissions from 2 submitters: Uncertain significance (2). Last evaluated 2024-12-17.

Conditions:
Epidermolysis bullosa simplex 5B, with muscular dystrophy (EBS5B). Also called: Epidermolysis bullosa simplex with muscular dystrophy; EPIDERMOLYSIS BULLOSA SIMPLEX AND LIMB-GIRDLE MUSCULAR DYSTROPHY. Identifiers: Orphanet 257, MedGen C2931072, MONDO:0009181, OMIM 226670.
Epidermolysis bullosa simplex 5C, with pyloric atresia (EBS5C). Also called: Epidermolysis bullosa simplex with pyloric atresia; PLEC-Related Epidermolysis Bullosa with Pyloric Atresia; PLEC1-Related Epidermolysis Bullosa with Pyloric Atresia. Identifiers: Orphanet 158684, MedGen C2677349, MONDO:0012807, OMIM 612138.
Epidermolysis bullosa simplex, Ogna type (EBS5A). Also called: Pidermolysis bullosa simplex 5A, Ogna type; EPIDERMOLYSIS BULLOSA SIMPLEX 5A, OGNA TYPE. Identifiers: Orphanet 79401, MedGen C0432317, MONDO:0007555, OMIM 131950.
Autosomal recessive limb-girdle muscular dystrophy type 2Q (LGMDR17). Also called: MUSCULAR DYSTROPHY, LIMB-GIRDLE, AUTOSOMAL RECESSIVE 17. Identifiers: Orphanet 254361, MedGen C3150989, MONDO:0013390, OMIM 613723.
Epidermolysis bullosa simplex with nail dystrophy (EBS5D). Identifiers: MedGen C4225309, MONDO:0014661, OMIM 616487.
Inborn genetic diseases. Identifiers: MedGen C0950123, MeSH D030342.

Allele frequency attached by ClinVar (database versions not stated): gnomAD exomes below 0.00001.
gnomAD v4.1: 1 of 1,612,690 alleles (0.000062%); highest among the groups gnomAD compares: Admixed American, 0.0017%; no homozygotes.

Submissions (2):

Ambry Genetics
Classification: Uncertain significance for Inborn genetic diseases. Last evaluated: 2024-12-17. Review status: criteria provided, single submitter. Criteria: Ambry Variant Classification Scheme 2023. Collection method: clinical testing. Allele origin: germline.

Labcorp Genetics (formerly Invitae), Labcorp
Classification: Uncertain significance for Autosomal recessive limb-girdle muscular dystrophy type 2Q; Epidermolysis bullosa simplex, Ogna type; Epidermolysis bullosa simplex with nail dystrophy; Epidermolysis bullosa simplex 5C, with pyloric atresia; Epidermolysis bullosa simplex 5B, with muscular dystrophy. Last evaluated: 2020-01-23. Review status: criteria provided, single submitter. Criteria: Invitae Variant Classification Sherloc (09022015). Collection method: clinical testing. Allele origin: germline.
Comment: In summary, the available evidence is currently insufficient to determine the role of this variant in disease. Therefore, it has been classified as a Variant of Uncertain Significance. Algorithms developed to predict the effect of missense changes on protein structure and function are either unavailable or do not agree on the potential impact of this missense change (SIFT: "Tolerated"; PolyPhen-2: "Not Available"; Align-GVGD: "Class C0"). This variant has not been reported in the literature in individuals with PLEC-related conditions. This variant is not present in population databases (ExAC no frequency). This sequence change replaces alanine with threonine at codon 133 of the PLEC protein (p.Ala133Thr). The alanine residue is highly conserved and there is a small physicochemical difference between alanine and threonine.

NM_201384.3(PLEC):c.316G>A (p.Ala106Thr)

Gene: PLEC (plectin; minus strand). Cytogenetic location: 8q24.3.
Variant type: single nucleotide variant.
Coding change: c.316G>A on transcript NM_201384.3 (MANE Select); coding-DNA position 316, G replaced by A.
Protein change: p.Ala106Thr; replaces alanine 106 with threonine.
Molecular consequence: missense variant.
Genome position (GRCh38, 1-based): chr8:143,937,191, C>T on the plus strand (G>A on the coding strand, the complement: PLEC is on the minus strand). VCF-style: chr8-143937191-C-T. GRCh37 (hg19) VCF-style: chr8-145011359-C-T.
Other names: c.397G>A (NM_000445.3); c.397G>A, p.Ala133Thr (NM_000445.5); c.274G>A, p.Ala92Thr (NM_201378.4); c.250G>A, p.Ala84Thr (NM_201379.3); c.727G>A, p.Ala243Thr (NM_201380.4); c.220G>A, p.Ala74Thr (NM_201381.3); c.316G>A, p.Ala106Thr (NM_201382.4); c.328G>A, p.Ala110Thr (NM_201383.3); short protein forms A106T, A110T, A133T, A243T, A74T, A84T, A92T.
Identifiers: ClinVar variation 1053177 (VCV001053177.6), dbSNP rs781787425, ClinGen allele CA372591185.